The following is an entry in ClinVar:

ClinVar aggregate classification (germline): Uncertain significance. Review status: criteria provided, multiple submitters, no conflicts (2 of 4 stars). 2 submissions from 2 submitters: Uncertain significance (2). Last evaluated 2025-09-30.

Conditions:
Dyskeratosis congenita. Identifiers: Orphanet 1775, MedGen C0265965, MONDO:0015780.

Allele frequency attached by ClinVar (database versions not stated): ExAC 0.00001; gnomAD 0.00003; gnomAD exomes 0.00003; TOPMed 0.00005.
gnomAD v4.1: 103 of 1,610,084 alleles (0.0064%); highest among the groups gnomAD compares: Non-Finnish European, 0.0084%; no homozygotes.

Submissions (2):

Labcorp Genetics (formerly Invitae), Labcorp
Classification: Uncertain significance for Dyskeratosis congenita. Last evaluated: 2025-09-30. Review status: criteria provided, single submitter. Criteria: Invitae Variant Classification Sherloc (09022015). Collection method: clinical testing. Allele origin: germline.
Comment: This sequence change replaces aspartic acid, which is acidic and polar, with histidine, which is basic and polar, at codon 833 of the CTC1 protein (p.Asp833His). The frequency data for this variant in the population databases is considered unreliable, as metrics indicate poor data quality at this position in the gnomAD database. This variant has not been reported in the literature in individuals affected with CTC1-related conditions. ClinVar contains an entry for this variant (Variation ID: 529175). An algorithm developed to predict the effect of missense changes on protein structure and function (PolyPhen-2) suggests that this variant is likely to be tolerated. In summary, the available evidence is currently insufficient to determine the role of this variant in disease. Therefore, it has been classified as a Variant of Uncertain Significance.

Mayo Clinic Laboratories, Mayo Clinic
Classification: Uncertain significance. Last evaluated: 2021-06-02. Review status: criteria provided, single submitter. Criteria: ACMG Guidelines, 2015. Collection method: clinical testing. Allele origin: germline.

NM_025099.6(CTC1):c.2497G>C (p.Asp833His)

Gene: CTC1 (CST telomere replication complex component 1; minus strand). Cytogenetic location: 17p13.1.
Variant type: single nucleotide variant.
Coding change: c.2497G>C on transcript NM_025099.6 (MANE Select); coding-DNA position 2497, G replaced by C.
Protein change: p.Asp833His; replaces aspartic acid 833 with histidine.
Molecular consequence: missense variant. On other transcripts: non-coding transcript variant (1).
Genome position (GRCh38, 1-based): chr17:8,231,448, C>G on the plus strand (G>C on the coding strand, the complement: CTC1 is on the minus strand). VCF-style: chr17-8231448-C-G. GRCh37 (hg19) VCF-style: chr17-8134766-C-G.
Other names: p.Asp833His; short protein forms D833H.
Identifiers: ClinVar variation 529175 (VCV000529175.12), dbSNP rs754510180, ClinGen allele CA8372046.